The following is an entry in ClinVar:

ClinVar aggregate classification (germline): Pathogenic (1 of 4 stars; one submission).

Conditions:
Early-onset progressive encephalopathy-hearing loss-pons hypoplasia-brain atrophy syndrome. Also called: ENCEPHALOPATHY, PROGRESSIVE, EARLY-ONSET, WITH BRAIN ATROPHY AND SPASTICITY. Identifiers: Orphanet 500144, MedGen C5567229, MONDO:0044696, OMIM 617669.

Submission:

Victorian Clinical Genetics Services, Murdoch Childrens Research Institute
Classification: Pathogenic for Early-onset progressive encephalopathy-hearing loss-pons hypoplasia-brain atrophy syndrome. Last evaluated: 2023-07-17. Review status: criteria provided, single submitter. Criteria: ACMG Guidelines, 2015. Collection method: clinical testing. Allele origin: germline. Inheritance: Autosomal recessive inheritance. Affected: yes.
Comment: Based on the classification scheme VCGS_Germline_v1.3.4, this variant is classified as Pathogenic. Following criteria are met: 0102 - Loss of function is a known mechanism of disease in this gene and is associated with encephalopathy, progressive, early-onset, with brain atrophy and spasticity (MIM#617669). (I) 0106 - This gene is associated with autosomal recessive disease. (I) 0201 - Variant is predicted to cause nonsense-mediated decay (NMD) and loss of protein (premature termination codon is located at least 54 nucleotides upstream of the final exon-exon junction). (SP) 0251 - This variant is heterozygous. (I) 0301 - Variant is absent from gnomAD (both v2 and v3). (SP) 0702 - Other NMD-predicted variants comparable to the one identified in this case have strong previous evidence for pathogenicity. These variants have been reported as likely pathogenic and pathogenic, and observed in individuals or fetuses with a neurological phenotype (DECIPHER, PMID: 36658419, PMID: 32347653). (SP) 0807 - This variant has no previous evidence of pathogenicity. (I) 0905 - No published segregation evidence has been identified for this variant. (I) 1007 - No published functional evidence has been identified for this variant. (I) 1102 - Strong phenotype match for this individual. (SP) 1201 - Heterozygous variant detected in trans with a second pathogenic heterozygous variant (p.(Lys608*)) in a recessive disease. (I) Legend: (SP) - Supporting pathogenic, (I) - Information, (SB) - Supporting benign

Literature cited by the submitters: PubMed 32347653; PubMed 36658419.

NM_016030.6(TRAPPC12):c.94del (p.Gln32fs)

Gene: TRAPPC12 (trafficking protein particle complex subunit 12; plus strand). Cytogenetic location: 2p25.3.
Variant type: Deletion.
Coding change: c.94del on transcript NM_016030.6 (MANE Select); coding-DNA position 94, one base deleted (C; older notation c.94delC).
Protein change: p.Gln32fs; shifts the reading frame from glutamine 32.
Molecular consequence: frameshift variant.
Genome position (GRCh38, 1-based): chr2:3,387,717, C deleted; the last of 2 consecutive C bases (chr2:3,387,716-3,387,717); deleting either gives the same sequence. VCF-style (leftmost placement, unchanged base first): chr2-3387715-TC-T. GRCh37 (hg19) VCF-style: chr2-3391486-TC-T.
Other names: c.94del, p.Gln32fs (NM_001321102.2); short protein forms Q32fs.
Identifiers: ClinVar variation 3254924 (VCV003254924.1), dbSNP rs2528224626.
Genomic context (GRCh38, chr2:3,387,715, plus strand): 5'-CGGCCCCGGAGGCCCCGCACCCCCCTCAGCTCGCGCCTCCGGAGGAGCAGGGGTTGCTCT[TC>T]CAGGAGGAAACCATCGATCTTGGCGGAGATGAGTTTGGATCCGAAGAGAACGAGACCGCA-3'